The following is an entry in ClinVar:

ClinVar aggregate classification (germline): Benign (1 of 4 stars; one submission).

Conditions:
CBL-related disorder. Also called: NOONAN SYNDROME-LIKE DISORDER WITHOUT JUVENILE MYELOMONOCYTIC LEUKEMIA; CBL MUTATION-ASSOCIATED SYNDROME; CBL SYNDROME. Identifiers: Orphanet 363972, MedGen C3150803, MONDO:0013308, OMIM 613563.

Allele frequency attached by ClinVar (database versions not stated): gnomAD 0.00042 and 0.00055; TOPMed 0.00057; gnomAD exomes 0.00118; 1000 Genomes Project 30x 0.00219; 1000 Genomes Project 0.00240.
gnomAD v4.1: 172 of 232,902 alleles (0.074%); highest among the groups gnomAD compares: East Asian, 0.87%; 1 homozygote.

Submission:

Illumina Laboratory Services, Illumina
Classification: Benign for CBL-related disorder. Last evaluated: 2018-01-12. Review status: criteria provided, single submitter. Criteria: ICSL Variant Classification Criteria 13 December 2019. Collection method: clinical testing. Allele origin: germline.
Comment: This variant was observed in the ICSL laboratory as part of a predisposition screen in an ostensibly healthy population. It had not been previously curated by ICSL or reported in the Human Gene Mutation Database (HGMD: prior to June 1st, 2018), and was therefore a candidate for classification through an automated scoring system. Utilizing variant allele frequency, disease prevalence and penetrance estimates, and inheritance mode, an automated score was calculated to assess if this variant is too frequent to cause the disease. Based on the score and internal cut-off values, a variant classified as benign is not then subjected to further curation. The score for this variant resulted in a classification of benign for this disease.

NM_005188.4(CBL):c.*2697C>T

Gene: CBL (Cbl proto-oncogene; plus strand). Cytogenetic location: 11q23.3.
Variant type: single nucleotide variant.
Coding change: c.*2697C>T on transcript NM_005188.4 (MANE Select); 2697 bases downstream of the stop codon, C replaced by T.
Molecular consequence: 3 prime UTR variant.
Genome position (GRCh38, 1-based): chr11:119,302,478, C>T. VCF-style: chr11-119302478-C-T. GRCh37 (hg19) VCF-style: chr11-119173188-C-T.
Identifiers: ClinVar variation 302826 (VCV000302826.5), dbSNP rs118116976, ClinGen allele CA10633651.